The following is an entry in ClinVar:

NM_005027.4(PIK3R2):c.42G>C (p.Pro14=)

Gene: PIK3R2 (phosphoinositide-3-kinase regulatory subunit 2; plus strand). Cytogenetic location: 19p13.11.
Variant type: single nucleotide variant.
Coding change: c.42G>C on transcript NM_005027.4 (MANE Select); coding-DNA position 42, G replaced by C.
Protein change: p.Pro14=; no amino-acid change (proline 14 retained).
Molecular consequence: synonymous variant. On other transcripts: non-coding transcript variant (2).
Genome position (GRCh38, 1-based): chr19:18,155,921, G>C. VCF-style: chr19-18155921-G-C. GRCh37 (hg19) VCF-style: chr19-18266731-G-C.
Identifiers: ClinVar variation 1590556 (VCV001590556.33), dbSNP rs767495472, ClinGen allele CA9306633.

ClinVar aggregate classification (germline): Likely benign. Review status: criteria provided, multiple submitters, no conflicts (2 of 4 stars). 3 submissions from 3 submitters: Likely benign (3). Last evaluated 2024-11-30.

Conditions:
Megalencephaly-polymicrogyria-postaxial polydactyly-hydrocephalus syndrome. Also called: MEG-PMG-MEGACC SYNDROME; MPPH Syndrome. Identifiers: Orphanet 83473, MedGen C1863924, MONDO:0019375.

Allele frequency attached by ClinVar (database versions not stated): ExAC 0.00006.

Submissions (3):

Labcorp Genetics (formerly Invitae), Labcorp
Classification: Likely benign for Megalencephaly-polymicrogyria-postaxial polydactyly-hydrocephalus syndrome. Last evaluated: 2024-11-30. Review status: criteria provided, single submitter. Criteria: Invitae Variant Classification Sherloc (09022015). Collection method: clinical testing. Allele origin: germline.

Blueprint Genetics
Classification: Likely benign. Last evaluated: 2024-11-08. Review status: criteria provided, single submitter. Criteria: ACMG Guidelines, 2015. Collection method: clinical testing. Allele origin: germline.

CeGaT Center for Human Genetics Tuebingen
Classification: Likely benign. Last evaluated: 2023-03-01. Review status: criteria provided, single submitter. Criteria: CeGaT Center For Human Genetics Tuebingen Variant Classification Criteria Version 2. Collection method: clinical testing. Allele origin: germline. Affected: yes. Observed: 1 variant allele.
Comment: PIK3R2: BP4, BP7